The following is an entry in ClinVar:

ClinVar aggregate classification (germline): Uncertain significance. Review status: criteria provided, multiple submitters, no conflicts (2 of 4 stars). 2 submissions from 2 submitters: Uncertain significance (2). Last evaluated 2024-05-01.

Allele frequency attached by ClinVar (database versions not stated): gnomAD 0.00001; TOPMed 0.00002.
gnomAD v4.1: 11 of 1,570,418 alleles (0.0007%); highest among the groups gnomAD compares: Admixed American, 0.0019%; no homozygotes.

Submissions (2):

CeGaT Center for Human Genetics Tuebingen
Classification: Uncertain significance. Last evaluated: 2024-05-01. Review status: criteria provided, single submitter. Criteria: CeGaT Center For Human Genetics Tuebingen Variant Classification Criteria Version 2. Collection method: clinical testing. Allele origin: germline. Affected: yes. Observed: 1 variant allele.
Comment: MYH14: PM5

Labcorp Genetics (formerly Invitae), Labcorp
Classification: Uncertain significance. Last evaluated: 2022-12-25. Review status: criteria provided, single submitter. Criteria: Invitae Variant Classification Sherloc (09022015). Collection method: clinical testing. Allele origin: germline.
Comment: This sequence change replaces arginine, which is basic and polar, with cysteine, which is neutral and slightly polar, at codon 933 of the MYH14 protein (p.Arg933Cys). The frequency data for this variant in the population databases is considered unreliable, as metrics indicate poor data quality at this position in the gnomAD database. This variant has not been reported in the literature in individuals affected with MYH14-related conditions. This missense change has been observed in at least one individual who was not affected with MYH14-related conditions (Invitae). Advanced modeling of protein sequence and biophysical properties (such as structural, functional, and spatial information, amino acid conservation, physicochemical variation, residue mobility, and thermodynamic stability) performed at Invitae indicates that this missense variant is expected to disrupt MYH14 protein function. In summary, the available evidence is currently insufficient to determine the role of this variant in disease. Therefore, it has been classified as a Variant of Uncertain Significance.

NM_001145809.2(MYH14):c.2920C>T (p.Arg974Cys)

Gene: MYH14 (myosin heavy chain 14; plus strand). Cytogenetic location: 19q13.33.
Variant type: single nucleotide variant.
Coding change: c.2920C>T on transcript NM_001145809.2 (MANE Select); coding-DNA position 2920, C replaced by T.
Protein change: p.Arg974Cys; replaces arginine 974 with cysteine.
Molecular consequence: missense variant.
Genome position (GRCh38, 1-based): chr19:50,268,254, C>T. VCF-style: chr19-50268254-C-T. GRCh37 (hg19) VCF-style: chr19-50771511-C-T.
Other names: c.2821C>T, p.Arg941Cys (NM_001077186.2); c.2797C>T, p.Arg933Cys (NM_024729.4); short protein forms R933C, R974C, R941C.
Identifiers: ClinVar variation 2738645 (VCV002738645.22), dbSNP rs757682381, ClinGen allele CA9593074.
Genomic context (GRCh38, chr19:50,268,254, plus strand): 5'-TTGCGAGCAGAGGCAGAACTGTGTGCAGAGGCCGAGGAGACGCGGGGGAGGCTGGCAGCC[C>T]GCAAGCAGGAGCTGGAGCTGGTGGTGTCAGAGCTGGAGGCTCGCGTGGGCGAGGAGGAGG-3'
Protein context (NP_001139281.1, residues 964-984): AEETRGRLAA[Arg974Cys]KQELELVVSE